The following is an entry in ClinVar:

ClinVar aggregate classification (germline): Uncertain significance (1 of 4 stars; one submission).

Conditions:
MYO15A-related disorder. Also called: MYO15A-related condition.

gnomAD v4.1: 116 of 1,614,004 alleles (0.0072%); highest among the groups gnomAD compares: Non-Finnish European, 0.0097%; no homozygotes.

Submission:

PreventionGenetics, part of Exact Sciences
Classification: Uncertain significance for MYO15A-related condition. Last evaluated: 2024-10-31. Review status: criteria provided, single submitter. Criteria: ACMG Guidelines, 2015. Collection method: clinical testing. Allele origin: germline.
Comment: The MYO15A c.9398A>G variant is predicted to result in the amino acid substitution p.Gln3133Arg. To our knowledge, this variant has not been reported in the literature. This variant is reported in 0.0031% of alleles in individuals of European (Non-Finnish) descent in gnomAD. At this time, the clinical significance of this variant is uncertain due to the absence of conclusive functional and genetic evidence.

NM_016239.4(MYO15A):c.9398A>G (p.Gln3133Arg)

Genes: MYO15A (myosin XVA; plus strand), LOC130060418 (ATAC-STARR-seq lymphoblastoid active region 11828; plus strand). Cytogenetic location: 17p11.2.
Variant type: single nucleotide variant.
Coding change: c.9398A>G on transcript NM_016239.4 (MANE Select); coding-DNA position 9398, A replaced by G.
Protein change: p.Gln3133Arg; replaces glutamine 3133 with arginine.
Molecular consequence: missense variant.
Genome position (GRCh38, 1-based): chr17:18,161,328, A>G. VCF-style: chr17-18161328-A-G. GRCh37 (hg19) VCF-style: chr17-18064642-A-G.
Other names: short protein forms Q3133R.
Identifiers: ClinVar variation 4979494 (VCV004979494.1).